The following is an entry in ClinVar:

NM_001009999.3(KDM1A):c.655A>G (p.Ile219Val)

Gene: KDM1A (lysine demethylase 1A; plus strand). Cytogenetic location: 1p36.12.
Variant type: single nucleotide variant.
Coding change: c.655A>G on transcript NM_001009999.3 (MANE Select); coding-DNA position 655, A replaced by G.
Protein change: p.Ile219Val; replaces isoleucine 219 with valine.
Molecular consequence: missense variant.
Genome position (GRCh38, 1-based): chr1:23,050,464, A>G. VCF-style: chr1-23050464-A-G. GRCh37 (hg19) VCF-style: chr1-23376957-A-G.
Other names: c.595A>G, p.Ile199Val (NM_001363654.2, NM_001410763.1, NM_015013.4); c.655A>G, p.Ile219Val (NM_001410762.1); short protein forms I199V, I219V.
Identifiers: ClinVar variation 4042098 (VCV004042098.1).
Genomic context (GRCh38, chr1:23,050,464, plus strand): 5'-TTCCAGAGCCGACTTCCTCATGACCGGATGACTTCTCAAGAAGCAGCCTGTTTTCCAGAT[A>G]TTATCAGTGGACCACAACAGACCCAGAAGGTTTTTCTTTTCATTAGAAACCGCACAGTAA-3'
Protein context (NP_001009999.1, residues 209-229): TSQEAACFPD[Ile219Val]ISGPQQTQKV

ClinVar aggregate classification (germline): Uncertain significance (1 of 4 stars; one submission).

Conditions:
Inborn genetic diseases. Identifiers: MedGen C0950123, MeSH D030342.

Submission:

Ambry Genetics
Classification: Uncertain significance for Inborn genetic diseases. Last evaluated: 2025-04-10. Review status: criteria provided, single submitter. Criteria: Ambry Variant Classification Scheme 2023. Collection method: clinical testing. Allele origin: germline.
Comment: The p.I219V variant (also known as c.655A>G), located in coding exon 4 of the KDM1A gene, results from an A to G substitution at nucleotide position 655. The isoleucine at codon 219 is replaced by valine, an amino acid with highly similar properties. This amino acid position is conserved. In addition, this alteration is predicted to be tolerated by in silico analysis. Based on the available evidence, the clinical significance of this variant remains unclear.